The following is an entry in ClinVar:

ClinVar aggregate classification (germline): Uncertain significance. Review status: criteria provided, multiple submitters, no conflicts (2 of 4 stars). 2 submissions from 2 submitters: Uncertain significance (2). Last evaluated 2022-03-18.

Conditions:
Neuromuscular disease caused by qualitative or quantitative defects of dysferlin. Also called: Qualitative or quantitative defects of dysferlin; Dysferlinopathy. Identifiers: Orphanet 207073, MedGen C2931687, MONDO:0016145.

Allele frequency attached by ClinVar (database versions not stated): gnomAD 0.00001; gnomAD exomes 0.00001; TOPMed 0.00001; ExAC 0.00002.
gnomAD v4.1: 10 of 1,613,956 alleles (0.00062%); highest among the groups gnomAD compares: South Asian, 0.0099%; no homozygotes.

Submissions (2):

Labcorp Genetics (formerly Invitae), Labcorp
Classification: Uncertain significance for Neuromuscular disease caused by qualitative or quantitative defects of dysferlin. Last evaluated: 2022-03-18. Review status: criteria provided, single submitter. Criteria: Invitae Variant Classification Sherloc (09022015). Collection method: clinical testing. Allele origin: germline.
Comment: This sequence change replaces glutamic acid, which is acidic and polar, with lysine, which is basic and polar, at codon 1209 of the DYSF protein (p.Glu1209Lys). This variant is present in population databases (rs773773555, gnomAD 0.01%). This variant has not been reported in the literature in individuals affected with DYSF-related conditions. Advanced modeling of protein sequence and biophysical properties (such as structural, functional, and spatial information, amino acid conservation, physicochemical variation, residue mobility, and thermodynamic stability) performed at Invitae indicates that this missense variant is not expected to disrupt DYSF protein function. In summary, the available evidence is currently insufficient to determine the role of this variant in disease. Therefore, it has been classified as a Variant of Uncertain Significance.

Revvity Omics, Revvity
Classification: Uncertain significance. Last evaluated: 2019-09-04. Review status: criteria provided, single submitter. Criteria: ACMG Guidelines, 2015. Collection method: clinical testing. Allele origin: germline.

NM_001130987.2(DYSF):c.3679G>A (p.Glu1227Lys)

Gene: DYSF (dysferlin; plus strand). Cytogenetic location: 2p13.2.
Variant type: single nucleotide variant.
Coding change: c.3679G>A on transcript NM_001130987.2 (MANE Select); coding-DNA position 3679, G replaced by A.
Protein change: p.Glu1227Lys; replaces glutamic acid 1227 with lysine.
Molecular consequence: missense variant.
Genome position (GRCh38, 1-based): chr2:71,598,668, G>A. VCF-style: chr2-71598668-G-A. GRCh37 (hg19) VCF-style: chr2-71825798-G-A.
Other names: c.3628G>A, p.Glu1210Lys (NM_001130455.2, NM_001130983.2); c.3583G>A, p.Glu1195Lys (NM_001130976.2, NM_001130977.2); c.3625G>A, p.Glu1209Lys (NM_001130978.2, NM_003494.4); c.3718G>A, p.Glu1240Lys (NM_001130979.2); c.3676G>A, p.Glu1226Lys (NM_001130980.2, NM_001130981.2); c.3721G>A, p.Glu1241Lys (NM_001130982.2); c.3586G>A, p.Glu1196Lys (NM_001130984.2, NM_001130986.2); c.3679G>A, p.Glu1227Lys (NM_001130985.2); and 1 more; short protein forms E1226K, E1241K, E1195K, E1227K, E1209K, E1210K, E1240K, E1196K.
Identifiers: ClinVar variation 2085641 (VCV002085641.4), dbSNP rs773773555, ClinGen allele CA1706664.